The following is an entry in ClinVar:

ClinVar aggregate classification (germline): Uncertain significance (1 of 4 stars; one submission).

Conditions:
Cortical dysplasia-focal epilepsy syndrome (PTHSL1). Also called: Pitt-Hopkins-like syndrome 1. Identifiers: Orphanet 163681, Orphanet 221150, MedGen C2750246, MONDO:0012400, OMIM 610042.

Allele frequency attached by ClinVar (database versions not stated): gnomAD exomes below 0.00001; gnomAD 0.00001; TOPMed 0.00001.
gnomAD v4.1: 8 of 1,614,018 alleles (0.0005%); highest among the groups gnomAD compares: Non-Finnish European, 0.00068%; no homozygotes.

Submission:

Labcorp Genetics (formerly Invitae), Labcorp
Classification: Uncertain significance for Cortical dysplasia-focal epilepsy syndrome. Last evaluated: 2022-07-09. Review status: criteria provided, single submitter. Criteria: Invitae Variant Classification Sherloc (09022015). Collection method: clinical testing. Allele origin: germline.
Comment: In summary, the available evidence is currently insufficient to determine the role of this variant in disease. Therefore, it has been classified as a Variant of Uncertain Significance. Algorithms developed to predict the effect of missense changes on protein structure and function are either unavailable or do not agree on the potential impact of this missense change (SIFT: "Deleterious"; PolyPhen-2: "Probably Damaging"; Align-GVGD: "Class C0"). This variant has not been reported in the literature in individuals affected with CNTNAP2-related conditions. This variant is not present in population databases (gnomAD no frequency). This sequence change replaces valine, which is neutral and non-polar, with methionine, which is neutral and non-polar, at codon 110 of the CNTNAP2 protein (p.Val110Met).

NM_014141.6(CNTNAP2):c.328G>A (p.Val110Met)

Gene: CNTNAP2 (contactin associated protein 2; plus strand). Cytogenetic location: 7q35.
Variant type: single nucleotide variant.
Coding change: c.328G>A on transcript NM_014141.6 (MANE Select); coding-DNA position 328, G replaced by A.
Protein change: p.Val110Met; replaces valine 110 with methionine.
Molecular consequence: missense variant.
Genome position (GRCh38, 1-based): chr7:146,839,830, G>A. VCF-style: chr7-146839830-G-A. GRCh37 (hg19) VCF-style: chr7-146536922-G-A.
Other names: short protein forms V110M.
Identifiers: ClinVar variation 1956107 (VCV001956107.4), dbSNP rs1364604968, ClinGen allele CA369922725.